The following is an entry in ClinVar:

ClinVar aggregate classification (germline): Benign/Likely benign. Review status: criteria provided, multiple submitters, no conflicts (2 of 4 stars). 8 submissions from 8 submitters: Benign (1); Likely benign (6). 1 of the submissions does not count toward it. Last evaluated 2026-07-01.

Conditions:
Inborn genetic diseases. Identifiers: MedGen C0950123, MeSH D030342.
HBB-related disorder. Also called: HBB-related disorders; HBB-related condition. Identifiers: MedGen CN239378.
beta Thalassemia (BTHAL). Also called: Cooley's anemia; Erythroblastic anemia; Mediterranean anemia. Identifiers: Orphanet 848, MedGen C0005283, MONDO:0019402. Disease mechanism: loss of function.

Allele frequency attached by ClinVar (database versions not stated): 1000 Genomes Project 30x 0.00016; gnomAD exomes 0.00018 and 0.00038; 1000 Genomes Project 0.00020; ExAC 0.00040; TOPMed 0.00125; gnomAD 0.00131 and 0.00145.
gnomAD v4.1: 465 of 1,614,142 alleles (0.029%); highest among the groups gnomAD compares: African/African-American, 0.48%; 1 homozygote.

Submissions (8):

PreventionGenetics, part of Exact Sciences
Classification: Likely benign for HBB-related condition. Last evaluated: 2026-07-01. Review status: criteria provided, single submitter. Criteria: ACMG Guidelines, 2015. Collection method: clinical testing. Allele origin: germline.
Comment: This variant is classified as likely benign based on ACMG/AMP sequence variant interpretation guidelines (Richards et al. 2015 PMID: 25741868, with internal and published modifications).

Labcorp Genetics (formerly Invitae), Labcorp
Classification: Benign. Last evaluated: 2026-01-28. Review status: criteria provided, single submitter. Criteria: Invitae Variant Classification Sherloc (09022015). Collection method: clinical testing. Allele origin: germline.

ARUP Laboratories, Molecular Genetics and Genomics, ARUP Laboratories
Classification: Likely benign. Last evaluated: 2025-07-30. Review status: criteria provided, single submitter. Criteria: ARUP Molecular Germline Variant Investigation Process 2024. Collection method: clinical testing. Allele origin: germline.

Quest Diagnostics Nichols Institute San Juan Capistrano
Classification: Likely benign. Last evaluated: 2025-03-17. Review status: criteria provided, single submitter. Criteria: Quest Diagnostics criteria. Collection method: clinical testing. Allele origin: unknown.

Blueprint Genetics
Classification: Likely benign. Last evaluated: 2024-08-23. Review status: criteria provided, single submitter. Criteria: ACMG Guidelines, 2015. Collection method: clinical testing. Allele origin: germline.

Women's Health and Genetics/Laboratory Corporation of America, LabCorp
Classification: Likely benign. Last evaluated: 2024-03-18. Review status: criteria provided, single submitter. Criteria: LabCorp Variant Classification Summary - May 2015. Collection method: clinical testing. Allele origin: germline.

Ambry Genetics
Classification: Likely benign for Inborn genetic diseases. Last evaluated: 2022-07-14. Review status: criteria provided, single submitter. Criteria: Ambry Variant Classification Scheme 2023. Collection method: clinical testing. Allele origin: germline.

Natera, Inc.
Classification: Benign for Beta thalassemia. Last evaluated: 2020-06-01. Review status: no assertion criteria provided. Collection method: clinical testing. Allele origin: germline. Not counted in ClinVar's aggregate classification.

Literature cited by the submitters: PubMed 28379995 (cited by Quest Diagnostics Nichols Institute San Juan Capistrano and Women's Health and Genetics/Laboratory Corporation of America, LabCorp); PubMed 32190157 (cited by Quest Diagnostics Nichols Institute San Juan Capistrano).

NM_000518.5(HBB):c.432C>T (p.His144=)

Genes: HBB (hemoglobin subunit beta; minus strand), LOC107133510 (origin of replication at HBB; plus strand), LOC110006319 (beta-globin gene 3' regulatory region; plus strand). Cytogenetic location: 11p15.4.
Variant type: single nucleotide variant.
Coding change: c.432C>T on transcript NM_000518.5 (MANE Select); coding-DNA position 432, C replaced by T.
Protein change: p.His144=; no amino-acid change (histidine 144 retained).
Molecular consequence: synonymous variant.
Genome position (GRCh38, 1-based): chr11:5,225,610, G>A on the plus strand (C>T on the coding strand, the complement: HBB is on the minus strand). VCF-style: chr11-5225610-G-A. GRCh37 (hg19) VCF-style: chr11-5246840-G-A.
Identifiers: ClinVar variation 36329 (VCV000036329.70), dbSNP rs36020563, ClinGen allele CA342872.
Genomic context (GRCh38, chr11:5,225,610, plus strand): 5'-AGGGAACAAAGGAACCTTTAATAGAAATTGGACAGCAAGAAAGCGAGCTTAGTGATACTT[G>A]TGGGCCAGGGCATTAGCCACACCAGCCACCACTTTCTGATAGGCAGCCTGCACTGGTGGG-3'
Protein context (NP_000509.1, residues 134-147): VVAGVANALA[His144=]KYH